The following is an entry in ClinVar:

NM_003091.4(SNRPB):c.359T>C (p.Met120Thr)

Gene: SNRPB (small nuclear ribonucleoprotein polypeptides B and B1; minus strand). Cytogenetic location: 20p13.
Variant type: single nucleotide variant.
Coding change: c.359T>C on transcript NM_003091.4 (MANE Select); coding-DNA position 359, T replaced by C.
Protein change: p.Met120Thr; replaces methionine 120 with threonine.
Molecular consequence: missense variant.
Genome position (GRCh38, 1-based): chr20:2,463,808, A>G on the plus strand (T>C on the coding strand, the complement: SNRPB is on the minus strand). VCF-style: chr20-2463808-A-G. GRCh37 (hg19) VCF-style: chr20-2444454-A-G.
Other names: c.359T>C, p.Met120Thr (NM_198216.2); short protein forms M120T.
Identifiers: ClinVar variation 3000344 (VCV003000344.3), dbSNP rs745734594, ClinGen allele CA9732458.

ClinVar aggregate classification (germline): Uncertain significance (1 of 4 stars; one submission).

Allele frequency attached by ClinVar (database versions not stated): gnomAD exomes 0.00001; ExAC 0.00003; gnomAD 0.00005; TOPMed 0.00005.

Submission:

Labcorp Genetics (formerly Invitae), Labcorp
Classification: Uncertain significance. Last evaluated: 2023-05-20. Review status: criteria provided, single submitter. Criteria: Invitae Variant Classification Sherloc (09022015). Collection method: clinical testing. Allele origin: germline.
Comment: An algorithm developed to predict the effect of missense changes on protein structure and function (PolyPhen-2) suggests that this variant is likely to be tolerated. This sequence change replaces methionine, which is neutral and non-polar, with threonine, which is neutral and polar, at codon 120 of the SNRPB protein (p.Met120Thr). This variant is present in population databases (rs745734594, gnomAD 0.03%). This variant has not been reported in the literature in individuals affected with SNRPB-related conditions. In summary, the available evidence is currently insufficient to determine the role of this variant in disease. Therefore, it has been classified as a Variant of Uncertain Significance.